The following is an entry in ClinVar:

ClinVar aggregate classification (germline): Uncertain significance. Review status: criteria provided, multiple submitters, no conflicts (2 of 4 stars). 5 submissions from 5 submitters: Uncertain significance (5). Last evaluated 2026-01-27.

Conditions:
Global developmental delay - lung cysts - overgrowth - Wilms tumor syndrome. Also called: GLOW Syndrome; GLOBAL DEVELOPMENTAL DELAY, LUNG CYSTS, OVERGROWTH, AND WILMS TUMOR. Identifiers: Orphanet 404476, MedGen C4748924, MONDO:0018445, OMIM 618272.
DICER1-related tumor predisposition. Also called: DICER1-related pleuropulmonary blastoma cancer predisposition syndrome; DICER1 syndrome. Identifiers: Orphanet 284343, MedGen C3839822, MONDO:0100216.
Hereditary cancer-predisposing syndrome. Also called: Tumor predisposition; Neoplastic Syndromes, Hereditary; Hereditary Cancer Syndrome; Hereditary neoplastic syndrome. Identifiers: Orphanet 140162, MedGen C0027672, MeSH D009386, MONDO:0015356.

Allele frequency attached by ClinVar (database versions not stated): TOPMed below 0.00001; ExAC 0.00001; gnomAD 0.00001; gnomAD exomes 0.00001 and 0.00002.
gnomAD v4.1: 20 of 1,614,000 alleles (0.0012%); highest among the groups gnomAD compares: East Asian, 0.0045%; no homozygotes.

Submissions (5):

Labcorp Genetics (formerly Invitae), Labcorp
Classification: Uncertain significance for DICER1-related tumor predisposition. Last evaluated: 2026-01-27. Review status: criteria provided, single submitter. Criteria: Invitae Variant Classification Sherloc (09022015). Collection method: clinical testing. Allele origin: germline.
Comment: This sequence change replaces threonine, which is neutral and polar, with methionine, which is neutral and non-polar, at codon 629 of the DICER1 protein (p.Thr629Met). This variant is present in population databases (rs750410087, gnomAD 0.003%). This variant has not been reported in the literature in individuals affected with DICER1-related conditions. ClinVar contains an entry for this variant (Variation ID: 477072). Invitae Evidence Modeling of protein sequence and biophysical properties (such as structural, functional, and spatial information, amino acid conservation, physicochemical variation, residue mobility, and thermodynamic stability) indicates that this missense variant is not expected to disrupt DICER1 protein function with a negative predictive value of 95%. In summary, the available evidence is currently insufficient to determine the role of this variant in disease. Therefore, it has been classified as a Variant of Uncertain Significance.

Ambry Genetics
Classification: Uncertain significance for Hereditary cancer-predisposing syndrome. Last evaluated: 2025-03-15. Review status: criteria provided, single submitter. Criteria: Ambry Variant Classification Scheme 2023. Collection method: clinical testing. Allele origin: germline.
Comment: The p.T629M variant (also known as c.1886C>T), located in coding exon 10 of the DICER1 gene, results from a C to T substitution at nucleotide position 1886. The threonine at codon 629 is replaced by methionine, an amino acid with similar properties. This amino acid position is highly conserved in available vertebrate species. In addition, the in silico prediction for this alteration is inconclusive. Since supporting evidence is limited at this time, the clinical significance of this alteration remains unclear.

Center for Genomic Medicine, Rigshospitalet, Copenhagen University Hospital
Classification: Uncertain significance. Last evaluated: 2025-03-04. Review status: criteria provided, single submitter. Criteria: ACMG Guidelines, 2015. Collection method: clinical testing. Allele origin: germline.

Baylor Genetics
Classification: Uncertain significance for Global developmental delay - lung cysts - overgrowth - Wilms tumor syndrome. Last evaluated: 2023-07-29. Review status: criteria provided, single submitter. Criteria: ACMG Guidelines, 2015. Collection method: clinical testing. Allele origin: unknown.

Sema4
Classification: Uncertain significance for Hereditary cancer-predisposing syndrome. Last evaluated: 2021-09-29. Review status: criteria provided, single submitter. Criteria: Sema4 Curation Guidelines. Collection method: curation. Allele origin: germline.
Comment: To the best of our knowledge, the DICER1 c.1886C>T (p.T629M) variant has not been reported in individuals with DICER1-related disease. It was observed in 1/34588 chromosomes of the Latino subpopulation in the large and broad cohorts of the Genome Aggregation Database (PMID: 32461654). The variant has been reported in ClinVar (Variation ID 477072). Functional studies have not been performed, and in silico predictions of the variant's effect on protein function are inconclusive. The evidence is insufficient to meet ACMG/AMP criteria for classifying the variant as benign or pathogenic. Thus, the clinical significance of this variant is currently uncertain.

NM_177438.3(DICER1):c.1886C>T (p.Thr629Met)

Gene: DICER1 (dicer 1, ribonuclease III; minus strand). Cytogenetic location: 14q32.13.
Variant type: single nucleotide variant.
Coding change: c.1886C>T on transcript NM_177438.3 (MANE Select); coding-DNA position 1886, C replaced by T.
Protein change: p.Thr629Met; replaces threonine 629 with methionine.
Molecular consequence: missense variant.
Genome position (GRCh38, 1-based): chr14:95,115,688, G>A on the plus strand (C>T on the coding strand, the complement: DICER1 is on the minus strand). VCF-style: chr14-95115688-G-A. GRCh37 (hg19) VCF-style: chr14-95582025-G-A.
Other names: c.1886C>T, p.Thr629Met (NM_001195573.1, NM_001271282.3, NM_001291628.2 and 1 more transcripts); short protein forms T629M.
Identifiers: ClinVar variation 477072 (VCV000477072.18), dbSNP rs750410087, ClinGen allele CA7331378.
Genomic context (GRCh38, chr14:95,115,688, plus strand): 5'-CATTCCCAGGTTTTCCACACAAATGATATGATGCCATACCTATTGATGTGTCCAATGGCC[G>A]TGTTGATTGTGACTCGTGGACCACCATCGTCAGGCCTCAACACATATGGTGGGAAAACGT-3'
Protein context (NP_803187.1, residues 619-639): DDGGPRVTIN[Thr629Met]AIGHINRYCA